The following is an entry in ClinVar:

ClinVar aggregate classification (germline): Uncertain significance (1 of 4 stars; one submission).

Submission:

GeneDx
Classification: Uncertain significance. Last evaluated: 2022-11-16. Review status: criteria provided, single submitter. Criteria: GeneDx Variant Classification Process June 2021. Collection method: clinical testing. Allele origin: germline. Affected: yes.
Comment: Not observed at significant frequency in large population cohorts (gnomAD); In silico analysis supports that this missense variant has a deleterious effect on protein structure/function; Has not been previously published as pathogenic or benign to our knowledge

NM_003900.5(SQSTM1):c.1121C>T (p.Pro374Leu)

Gene: SQSTM1 (sequestosome 1; plus strand). Cytogenetic location: 5q35.3.
Variant type: single nucleotide variant.
Coding change: c.1121C>T on transcript NM_003900.5 (MANE Select); coding-DNA position 1121, C replaced by T.
Protein change: p.Pro374Leu; replaces proline 374 with leucine.
Molecular consequence: missense variant.
Genome position (GRCh38, 1-based): chr5:179,833,738, C>T. VCF-style: chr5-179833738-C-T. GRCh37 (hg19) VCF-style: chr5-179260738-C-T.
Other names: c.869C>T, p.Pro290Leu (NM_001142298.2, NM_001142299.2); short protein forms P290L, P374L.
Identifiers: ClinVar variation 2502608 (VCV002502608.1), dbSNP rs2480248258, ClinGen allele CA362452975.
Genomic context (GRCh38, chr5:179,833,738, plus strand): 5'-AGTCCCTACAGATGCCAGAATCCGAAGGGCCAAGCTCTCTGGACCCCTCCCAGGAGGGAC[C>T]CACAGGGCTGAAGGAAGCTGCCTTGTACCCACATCTCCCGCCAGGCAAGTGAACCAAGAG-3'
Protein context (NP_003891.1, residues 364-384): PSSLDPSQEG[Pro374Leu]TGLKEAALYP